The following is an entry in ClinVar:

NM_025074.7(FRAS1):c.2138-5C>G

Gene: FRAS1 (Fraser extracellular matrix complex subunit 1; plus strand). Cytogenetic location: 4q21.21.
Variant type: single nucleotide variant.
Coding change: c.2138-5C>G on transcript NM_025074.7 (MANE Select); 5 bases into the intron before coding-DNA position 2138, C replaced by G.
Molecular consequence: intron variant.
Genome position (GRCh38, 1-based): chr4:78,333,267, C>G. VCF-style: chr4-78333267-C-G. GRCh37 (hg19) VCF-style: chr4-79254421-C-G.
Other names: c.2138-5C>G (NM_025074.6, NM_001166133.2).
Identifiers: ClinVar variation 2849840 (VCV002849840.4), dbSNP rs1006293037, ClinGen allele CA99955465.

ClinVar aggregate classification (germline): Likely benign. Review status: criteria provided, multiple submitters, no conflicts (2 of 4 stars). 2 submissions from 2 submitters: Likely benign (2). Last evaluated 2025-03-13.

Conditions:
FRAS1-related disorder. Also called: FRAS1-related condition.

Allele frequency attached by ClinVar (database versions not stated): gnomAD 0.00001; TOPMed 0.00002.
gnomAD v4.1: 1 of 1,599,760 alleles (0.000063%); highest among the groups gnomAD compares: African/African-American, 0.0013%; no homozygotes.

Submissions (2):

PreventionGenetics, part of Exact Sciences
Classification: Likely benign for FRAS1-related condition. Last evaluated: 2025-03-13. Review status: criteria provided, single submitter. Criteria: ACMG Guidelines, 2015. Collection method: clinical testing. Allele origin: germline.
Comment: This variant is classified as likely benign based on ACMG/AMP sequence variant interpretation guidelines (Richards et al. 2015 PMID: 25741868, with internal and published modifications).

Labcorp Genetics (formerly Invitae), Labcorp
Classification: Likely benign. Last evaluated: 2023-05-20. Review status: criteria provided, single submitter. Criteria: Invitae Variant Classification Sherloc (09022015). Collection method: clinical testing. Allele origin: germline.